The following is an entry in ClinVar:

NM_000046.5(ARSB):c.1387C>A (p.Pro463Thr)

Gene: ARSB (arylsulfatase B; minus strand). Cytogenetic location: 5q14.1.
Variant type: single nucleotide variant.
Coding change: c.1387C>A on transcript NM_000046.5 (MANE Select); coding-DNA position 1387, C replaced by A.
Protein change: p.Pro463Thr; replaces proline 463 with threonine.
Molecular consequence: missense variant.
Genome position (GRCh38, 1-based): chr5:78,780,612, G>T on the plus strand (C>A on the coding strand, the complement: ARSB is on the minus strand). VCF-style: chr5-78780612-G-T. GRCh37 (hg19) VCF-style: chr5-78076435-G-T.
Other names: short protein forms P463T.
Identifiers: ClinVar variation 1413902 (VCV001413902.3), dbSNP rs748137130, ClinGen allele CA3317992.

ClinVar aggregate classification (germline): Uncertain significance (1 of 4 stars; one submission).

Conditions:
Mucopolysaccharidosis type 6 (MPS6). Also called: ARSB DEFICIENCY; ARYLSULFATASE B DEFICIENCY; N-ACETYLGALACTOSAMINE-4-SULFATASE DEFICIENCY; MPS VI; MPS 6; Maroteaux Lamy syndrome. Identifiers: Orphanet 583, MedGen C0026709, MONDO:0009661, OMIM 253200.

Allele frequency attached by ClinVar (database versions not stated): gnomAD 0.00001; TOPMed 0.00001; ExAC 0.00002; gnomAD exomes 0.00002.
gnomAD v4.1: 6 of 1,613,998 alleles (0.00037%); highest among the groups gnomAD compares: East Asian, 0.011%; no homozygotes.

Submission:

Labcorp Genetics (formerly Invitae), Labcorp
Classification: Uncertain significance for Mucopolysaccharidosis type 6. Last evaluated: 2022-06-28. Review status: criteria provided, single submitter. Criteria: Invitae Variant Classification Sherloc (09022015). Collection method: clinical testing. Allele origin: germline.
Comment: This sequence change replaces proline, which is neutral and non-polar, with threonine, which is neutral and polar, at codon 463 of the ARSB protein (p.Pro463Thr). This variant is present in population databases (rs748137130, gnomAD 0.02%). This variant has not been reported in the literature in individuals affected with ARSB-related conditions. Advanced modeling of protein sequence and biophysical properties (such as structural, functional, and spatial information, amino acid conservation, physicochemical variation, residue mobility, and thermodynamic stability) performed at Invitae indicates that this missense variant is not expected to disrupt ARSB protein function. In summary, the available evidence is currently insufficient to determine the role of this variant in disease. Therefore, it has been classified as a Variant of Uncertain Significance.